The following is an entry in ClinVar:

ClinVar aggregate classification (germline): Pathogenic (1 of 4 stars; one submission).

Conditions:
POLG-related disorder. Also called: POLG-Related Spectrum Disorders; POLG-related condition; POLG-Related Disorders. Identifiers: MedGen C4763519.

Submission:

Myriad Genetics, Inc.
Classification: Pathogenic for POLG-related disorder. Last evaluated: 2025-01-26. Review status: criteria provided, single submitter. Criteria: Myriad Autosomal Dominant, Autosomal Recessive and X-Linked Classification Criteria (2023). Collection method: clinical testing. Allele origin: unknown.
Comment: NM_002693.2(POLG):c.3257C>A(S1086*) is expected to be pathogenic in the context of POLG-related disorders. This variant is predicted to lead to an abnormal or absent protein product due to the creation of a premature termination codon in POLG, a gene where loss-of-function variants are known to be pathogenic. Please note: this variant was assessed in the context of healthy population screening.

NM_002693.3(POLG):c.3257C>A (p.Ser1086Ter)

Gene: POLG (DNA polymerase gamma, catalytic subunit; minus strand). Cytogenetic location: 15q26.1.
Variant type: single nucleotide variant.
Coding change: c.3257C>A on transcript NM_002693.3 (MANE Select); coding-DNA position 3257, C replaced by A.
Protein change: p.Ser1086Ter; replaces serine 1086 with a stop codon.
Molecular consequence: nonsense.
Genome position (GRCh38, 1-based): chr15:89,318,947, G>T on the plus strand (C>A on the coding strand, the complement: POLG is on the minus strand). VCF-style: chr15-89318947-G-T. GRCh37 (hg19) VCF-style: chr15-89862178-G-T.
Other names: c.3257C>A, p.Ser1086Ter (NM_001126131.2); short protein forms S1086*.
Identifiers: ClinVar variation 5014024 (VCV005014024.1).